The following is an entry in ClinVar:

NM_006182.4(DDR2):c.778C>T (p.Arg260Trp)

Gene: DDR2 (discoidin domain receptor tyrosine kinase 2; plus strand). Cytogenetic location: 1q23.3.
Variant type: single nucleotide variant.
Coding change: c.778C>T on transcript NM_006182.4 (MANE Select); coding-DNA position 778, C replaced by T.
Protein change: p.Arg260Trp; replaces arginine 260 with tryptophan.
Molecular consequence: missense variant.
Genome position (GRCh38, 1-based): chr1:162,759,902, C>T. VCF-style: chr1-162759902-C-T. GRCh37 (hg19) VCF-style: chr1-162729692-C-T.
Other names: c.778C>T, p.Arg260Trp (LRG_1390t1, NM_001014796.3, NM_001354982.2 and 1 more transcripts); short protein forms R260W.
Identifiers: ClinVar variation 293375 (VCV000293375.7), dbSNP rs200965319, ClinGen allele CA1217339.

ClinVar aggregate classification (germline): Uncertain significance. Review status: criteria provided, multiple submitters, no conflicts (2 of 4 stars). 3 submissions from 3 submitters: Uncertain significance (3). Last evaluated 2022-12-08.

Conditions:
Spondyloepimetaphyseal dysplasia-short limb-abnormal calcification syndrome (SMED-SL). Also called: SMED short limb-hand type; SMED type 2; Spondylometaepiphyseal dysplasia short limb-abnormal calcification type; Smed short limb-abnormal calcification type; Spondylometaepiphyseal dysplasia, short limb-hand type; SMED, TYPE II. Identifiers: Orphanet 93358, MedGen C1849011, MONDO:0010077, OMIM 271665.

Allele frequency attached by ClinVar (database versions not stated): gnomAD 0.00005; TOPMed 0.00005; ESP Exome Variant Server 0.00008.
gnomAD v4.1: 158 of 1,614,000 alleles (0.0098%); highest among the groups gnomAD compares: Non-Finnish European, 0.011%; no homozygotes.

Submissions (3):

Blueprint Genetics
Classification: Uncertain significance. Last evaluated: 2022-12-08. Review status: criteria provided, single submitter. Criteria: ACMG Guidelines, 2015. Collection method: clinical testing. Allele origin: germline.

Labcorp Genetics (formerly Invitae), Labcorp
Classification: Uncertain significance. Last evaluated: 2022-08-06. Review status: criteria provided, single submitter. Criteria: Invitae Variant Classification Sherloc (09022015). Collection method: clinical testing. Allele origin: germline.
Comment: This sequence change replaces arginine, which is basic and polar, with tryptophan, which is neutral and slightly polar, at codon 260 of the DDR2 protein (p.Arg260Trp). This variant is present in population databases (rs200965319, gnomAD 0.006%). This variant has not been reported in the literature in individuals affected with DDR2-related conditions. ClinVar contains an entry for this variant (Variation ID: 293375). Algorithms developed to predict the effect of missense changes on protein structure and function are either unavailable or do not agree on the potential impact of this missense change (SIFT: "Deleterious"; PolyPhen-2: "Possibly Damaging"; Align-GVGD: "Class C15"). In summary, the available evidence is currently insufficient to determine the role of this variant in disease. Therefore, it has been classified as a Variant of Uncertain Significance.

Illumina Laboratory Services, Illumina
Classification: Uncertain significance for Spondyloepimetaphyseal dysplasia-short limb-abnormal calcification syndrome. Last evaluated: 2018-01-13. Review status: criteria provided, single submitter. Criteria: ICSL Variant Classification Criteria 13 December 2019. Collection method: clinical testing. Allele origin: germline.